The following is an entry in ClinVar:

NM_001080414.4(CCDC88C):c.3721C>T (p.Gln1241Ter)

Gene: CCDC88C (coiled-coil and HOOK domain protein 88C; minus strand). Cytogenetic location: 14q32.11.
Variant type: single nucleotide variant.
Coding change: c.3721C>T on transcript NM_001080414.4 (MANE Select); coding-DNA position 3721, C replaced by T.
Protein change: p.Gln1241Ter; replaces glutamine 1241 with a stop codon.
Molecular consequence: nonsense. On other transcripts: non-coding transcript variant (2).
Genome position (GRCh38, 1-based): chr14:91,299,985, G>A on the plus strand (C>T on the coding strand, the complement: CCDC88C is on the minus strand). VCF-style: chr14-91299985-G-A. GRCh37 (hg19) VCF-style: chr14-91766329-G-A.
Other names: short protein forms Q1241*.
Identifiers: ClinVar variation 5013531 (VCV005013531.1).

ClinVar aggregate classification (germline): Pathogenic (1 of 4 stars; one submission).

Conditions:
Hydrocephalus, nonsyndromic, autosomal recessive 1 (HYC1). Also called: Hydrocephalus, nonsyndromic, autosomal recessive; Congenital hydrocephalus 1. Identifiers: Orphanet 2185, MedGen C3887608, MONDO:0009360, OMIM 236600.

Submission:

Myriad Genetics, Inc.
Classification: Pathogenic for Hydrocephalus, nonsyndromic, autosomal recessive 1. Last evaluated: 2024-09-04. Review status: criteria provided, single submitter. Criteria: Myriad Autosomal Dominant, Autosomal Recessive and X-Linked Classification Criteria (2023). Collection method: clinical testing. Allele origin: unknown.
Comment: NM_001080414.3(CCDC88C):c.3721C>T(Q1241*) is expected to be pathogenic in the context of congenital hydrocephalus, CCDC88C-related. This variant is predicted to lead to an abnormal or absent protein product due to the creation of a premature termination codon in CCDC88C, a gene where loss-of-function variants are known to be pathogenic. Please note: this variant was assessed in the context of healthy population screening.